The following is an entry in ClinVar:

NM_000784.4(CYP27A1):c.1360_1367del (p.Gln454fs)

Gene: CYP27A1 (cytochrome P450 family 27 subfamily A member 1; plus strand). Cytogenetic location: 2q35.
Variant type: Deletion.
Coding change: c.1360_1367del on transcript NM_000784.4 (MANE Select); coding-DNA positions 1360 to 1367, 8 bases deleted (CAGCCTGC; older notation c.1360_1367delCAGCCTGC).
Protein change: p.Gln454fs; shifts the reading frame from glutamine 454.
Molecular consequence: frameshift variant.
Genome position (GRCh38, 1-based): chr2:218,814,641-218,814,648, CAGCCTGC deleted; deleting any 8 consecutive bases within chr2:218,814,639-218,814,648 gives the same sequence; the c. name uses the placement nearest the transcript's 3' end. VCF-style (leftmost placement, unchanged base first): chr2-218814638-AGCCAGCCT-A. GRCh37 (hg19) VCF-style: chr2-219679361-AGCCAGCCT-A.
Other names: short protein forms Q454fs.
Identifiers: ClinVar variation 5003619 (VCV005003619.1).

ClinVar aggregate classification (germline): Pathogenic (1 of 4 stars; one submission).

Conditions:
Cholestanol storage disease (CTX). Also called: CEREBRAL CHOLESTERINOSIS; CTX: Cerebrotendinous xanthomatosis; Cerebrotendinous Xanthomatosis. Identifiers: Orphanet 909, MedGen C0238052, MONDO:0008948, OMIM 213700.

Submission:

Myriad Genetics, Inc.
Classification: Pathogenic for Cholestanol storage disease. Last evaluated: 2026-04-20. Review status: criteria provided, single submitter. Criteria: Myriad Autosomal Dominant, Autosomal Recessive and X-Linked Classification Criteria (2023). Collection method: clinical testing. Allele origin: unknown.
Comment: NM_000784.3(CYP27A1):c.1360_1367del8(Q454Yfs*64) is a frameshift variant classified as pathogenic in the context of cerebrotendinous xanthomatosis. Q454Yfs*64 has not been observed in cases with relevant disease. Relevant functional assessments of this variant are not available in the literature. Internal structural analysis of the variant is supportive of pathogenicity. Q454Yfs*64 has not been observed in referenced population frequency databases. In summary, NM_000784.3(CYP27A1):c.1360_1367del8(Q454Yfs*64) is a frameshift variant in a gene where loss of function is a known mechanism of disease and is predicted to disrupt protein function. Please note: this variant was assessed in the context of healthy population screening.